The following is an entry in ClinVar:

ClinVar aggregate classification (germline): Uncertain significance (1 of 4 stars; one submission).

Conditions:
Werner syndrome (WRN). Identifiers: Orphanet 902, MedGen C0043119, MONDO:0010196, OMIM 277700.

Allele frequency attached by ClinVar (database versions not stated): gnomAD exomes below 0.00001.
gnomAD v4.1: 5 of 1,612,164 alleles (0.00031%); highest among the groups gnomAD compares: Non-Finnish European, 0.00042%; no homozygotes.

Submission:

Labcorp Genetics (formerly Invitae), Labcorp
Classification: Uncertain significance for Werner syndrome. Last evaluated: 2024-08-14. Review status: criteria provided, single submitter. Criteria: Invitae Variant Classification Sherloc (09022015). Collection method: clinical testing. Allele origin: germline.
Comment: This sequence change replaces lysine, which is basic and polar, with asparagine, which is neutral and polar, at codon 555 of the WRN protein (p.Lys555Asn). This variant is not present in population databases (gnomAD no frequency). This variant has not been reported in the literature in individuals affected with WRN-related conditions. ClinVar contains an entry for this variant (Variation ID: 403990). An algorithm developed to predict the effect of missense changes on protein structure and function (PolyPhen-2) suggests that this variant is likely to be disruptive. In summary, the available evidence is currently insufficient to determine the role of this variant in disease. Therefore, it has been classified as a Variant of Uncertain Significance.

NM_000553.6(WRN):c.1665A>C (p.Lys555Asn)

Gene: WRN (WRN RecQ like helicase; plus strand). Cytogenetic location: 8p12.
Variant type: single nucleotide variant.
Coding change: c.1665A>C on transcript NM_000553.6 (MANE Select); coding-DNA position 1665, A replaced by C.
Protein change: p.Lys555Asn; replaces lysine 555 with asparagine.
Molecular consequence: missense variant.
Genome position (GRCh38, 1-based): chr8:31,090,477, A>C. VCF-style: chr8-31090477-A-C. GRCh37 (hg19) VCF-style: chr8-30947993-A-C.
Other names: short protein forms K555N.
Identifiers: ClinVar variation 403990 (VCV000403990.4), dbSNP rs1060500061, ClinGen allele CA16612428.